The following is an entry in ClinVar:

ClinVar aggregate classification (germline): Uncertain significance. Review status: criteria provided, single submitter (1 of 4 stars). 2 submissions from 2 submitters: Uncertain significance (1). 1 of the submissions does not count toward it. Last evaluated 2026-08-01.

Conditions:
TMEM231-related disorder. Also called: TMEM231-related condition.

Allele frequency attached by ClinVar (database versions not stated): gnomAD 0.00008; 1000 Genomes Project 30x 0.00016; 1000 Genomes Project 0.00020; TOPMed 0.00024.
gnomAD v4.1: 83 of 1,387,856 alleles (0.006%); highest among the groups gnomAD compares: Admixed American, 0.068%; no homozygotes.

Submissions (2):

GeneDx
Classification: Uncertain significance. Last evaluated: 2026-08-01. Review status: criteria provided, single submitter. Criteria: GeneDx Variant Classification Process June 2021. Collection method: clinical testing. Allele origin: germline.
Comment: Has not been previously published as pathogenic or benign to our knowledge; Alters the Kozak sequence, which plays a major role in the initiation of translation

PreventionGenetics, part of Exact Sciences
Classification: Likely benign for TMEM231-related condition. Last evaluated: 2020-01-22. Review status: no assertion criteria provided. Collection method: clinical testing. Allele origin: germline. Not counted in ClinVar's aggregate classification.
Comment: This variant is classified as likely benign based on ACMG/AMP sequence variant interpretation guidelines (Richards et al. 2015 PMID: 25741868, with internal and published modifications).

NM_001077416.2(TMEM231):c.-2C>A

Gene: TMEM231 (transmembrane protein 231; minus strand). Cytogenetic location: 16q23.1.
Variant type: single nucleotide variant.
Coding change: c.-2C>A on transcript NM_001077416.2; 2 bases upstream of the start codon, C replaced by A.
Molecular consequence: 5 prime UTR variant.
Genome position (GRCh38, 1-based): chr16:75,556,273, G>T on the plus strand (C>A on the coding strand, the complement: TMEM231 is on the minus strand). VCF-style: chr16-75556273-G-T. GRCh37 (hg19) VCF-style: chr16-75590171-G-T.
Identifiers: ClinVar variation 3051667 (VCV003051667.3), dbSNP rs191646515, ClinGen allele CA283891102.